The following is an entry in ClinVar:

ClinVar aggregate classification (germline): Pathogenic. Review status: criteria provided, single submitter (1 of 4 stars). 2 submissions from 2 submitters: Pathogenic (1). 1 of the submissions does not count toward it. Last evaluated 2024-09-17.

Conditions:
Arrhythmogenic right ventricular dysplasia 8 (ARVD8). Also called: Arrhythmogenic Right Ventricular Dysplasia/Cardiomyopathy 8; ARRHYTHMOGENIC RIGHT VENTRICULAR DYSPLASIA, FAMILIAL, 8; ARRHYTHMOGENIC RIGHT VENTRICULAR CARDIOMYOPATHY 8. Identifiers: MedGen C1843896, MONDO:0011831, OMIM 607450.
Arrhythmogenic cardiomyopathy with wooly hair and keratoderma. Also called: Carvajal syndrome; PALMOPLANTAR KERATODERMA WITH LEFT VENTRICULAR CARDIOMYOPATHY AND WOOLLY HAIR; Dilated cardiomyopathy with woolly hair and keratoderma; Arrhythmogenic cardiomyopathy with woolly hair and keratoderma. Identifiers: Orphanet 65282, MedGen C1854063, MONDO:0011581, OMIM 605676.
DSP-related disorder. Also called: DSP-related condition; DSP-related disorders.

Submissions (2):

Labcorp Genetics (formerly Invitae), Labcorp
Classification: Pathogenic for Arrhythmogenic cardiomyopathy with wooly hair and keratoderma; Arrhythmogenic right ventricular dysplasia 8. Last evaluated: 2024-09-17. Review status: criteria provided, single submitter. Criteria: Invitae Variant Classification Sherloc (09022015). Collection method: clinical testing. Allele origin: germline.
Comment: This sequence change creates a premature translational stop signal (p.Tyr2264*) in the DSP gene. While this is not anticipated to result in nonsense mediated decay, it is expected to disrupt the last 608 amino acid(s) of the DSP protein. This variant is not present in population databases (gnomAD no frequency). This variant has not been reported in the literature in individuals affected with DSP-related conditions. This variant disrupts a region of the DSP protein in which other variant(s) (p.Glu2728Glyfs*11) have been determined to be pathogenic (internal data). This suggests that this is a clinically significant region of the protein, and that variants that disrupt it are likely to be disease-causing. For these reasons, this variant has been classified as Pathogenic.

PreventionGenetics, part of Exact Sciences
Classification: Likely pathogenic for DSP-related condition. Last evaluated: 2023-12-13. Review status: no assertion criteria provided. Collection method: clinical testing. Allele origin: germline. Not counted in ClinVar's aggregate classification.
Comment: The DSP c.6792C>A variant is predicted to result in premature protein termination (p.Tyr2264*). To our knowledge, this variant has not been reported in the literature or in a large population database, indicating this variant is rare. Nonsense variants in DSP are expected to be pathogenic. This variant resides in the final exon of this gene and it is unclear if the resulting mRNA would undergo nonsense mediated decay; However, downstream truncating variants have been reported to be associated with DSP-associated conditions (e.g. Table S1, Wang et al. 2022. PubMed ID: 34352074 ). This variant is interpreted as likely pathogenic for autosomal dominant and recessive DSP-associated conditions.

NM_004415.4(DSP):c.6792C>A (p.Tyr2264Ter)

Gene: DSP (desmoplakin; plus strand). Cytogenetic location: 6p24.3.
Variant type: single nucleotide variant.
Coding change: c.6792C>A on transcript NM_004415.4 (MANE Select); coding-DNA position 6792, C replaced by A.
Protein change: p.Tyr2264Ter; replaces tyrosine 2264 with a stop codon.
Molecular consequence: nonsense.
Genome position (GRCh38, 1-based): chr6:7,584,054, C>A. VCF-style: chr6-7584054-C-A. GRCh37 (hg19) VCF-style: chr6-7584287-C-A.
Other names: c.4995C>A, p.Tyr1665Ter (NM_001008844.3); c.5463C>A, p.Tyr1821Ter (NM_001319034.2); short protein forms Y1665*, Y1821*, Y2264*.
Identifiers: ClinVar variation 3032714 (VCV003032714.4), dbSNP rs2533942752, ClinGen allele CA16622021.
Genomic context (GRCh38, chr6:7,584,054, plus strand): 5'-CGAGGTTGGTGAGAGAATTAAGGACTTCCTCCAGGGTTCAAGCTGCATAGCAGGCATATA[C>A]AATGAGACCACAAAACAGAAGCTTGGCATTTATGAGGCCATGAAAATTGGCTTAGTCCGA-3'